The following is an entry in ClinVar:

ClinVar aggregate classification (germline): Uncertain significance (1 of 4 stars; one submission).

Conditions:
Inborn genetic diseases. Identifiers: MedGen C0950123, MeSH D030342.

gnomAD v4.1: 2 of 1,613,654 alleles (0.00012%); highest among the groups gnomAD compares: Non-Finnish European, 0.00017%; no homozygotes.

Submission:

Ambry Genetics
Classification: Uncertain significance for Inborn genetic diseases. Last evaluated: 2025-03-26. Review status: criteria provided, single submitter. Criteria: Ambry Variant Classification Scheme 2023. Collection method: clinical testing. Allele origin: germline.
Comment: The p.L1461P variant (also known as c.4382T>C), located in coding exon 30 of the ANKRD26 gene, results from a T to C substitution at nucleotide position 4382. The leucine at codon 1461 is replaced by proline, an amino acid with similar properties. This amino acid position is conserved. In addition, this alteration is predicted to be deleterious by in silico analysis. Based on the available evidence, the clinical significance of this variant remains unclear.

NM_014915.3(ANKRD26):c.4382T>C (p.Leu1461Pro)

Gene: ANKRD26 (ankyrin repeat domain containing 26; minus strand). Cytogenetic location: 10p12.1.
Variant type: single nucleotide variant.
Coding change: c.4382T>C on transcript NM_014915.3 (MANE Select); coding-DNA position 4382, T replaced by C.
Protein change: p.Leu1461Pro; replaces leucine 1461 with proline.
Molecular consequence: missense variant.
Genome position (GRCh38, 1-based): chr10:27,017,626, A>G on the plus strand (T>C on the coding strand, the complement: ANKRD26 is on the minus strand). VCF-style: chr10-27017626-A-G. GRCh37 (hg19) VCF-style: chr10-27306555-A-G.
Other names: c.4379T>C, p.Leu1460Pro (NM_001256053.2); short protein forms L1460P, L1461P.
Identifiers: ClinVar variation 3912804 (VCV003912804.1).